The following is an entry in ClinVar:

NM_000306.4(POU1F1):c.605-5T>G

Gene: POU1F1 (POU class 1 homeobox 1; minus strand). Cytogenetic location: 3p11.2.
Variant type: single nucleotide variant.
Coding change: c.605-5T>G on transcript NM_000306.4 (MANE Select); 5 bases into the intron before coding-DNA position 605, T replaced by G.
Molecular consequence: intron variant.
Genome position (GRCh38, 1-based): chr3:87,261,338, A>C on the plus strand (T>G on the coding strand, the complement: POU1F1 is on the minus strand). VCF-style: chr3-87261338-A-C. GRCh37 (hg19) VCF-style: chr3-87310488-A-C.
Other names: c.683-5T>G (NM_001122757.3).
Identifiers: ClinVar variation 346840 (VCV000346840.22), dbSNP rs201406891, ClinGen allele CA2501134.

ClinVar aggregate classification (germline): Conflicting classifications of pathogenicity. Review status: criteria provided, conflicting classifications (1 of 4 stars). 4 submissions from 4 submitters: Uncertain significance (2); Likely benign (2). Last evaluated 2026-01-25.

Allele frequency attached by ClinVar (database versions not stated): 1000 Genomes Project 30x 0.00016; 1000 Genomes Project 0.00020; gnomAD exomes 0.00060 and 0.00069; ESP Exome Variant Server 0.00062; TOPMed 0.00064; gnomAD 0.00065 and 0.00068; ExAC 0.00119.
gnomAD v4.1: 962 of 1,585,400 alleles (0.061%); highest among the groups gnomAD compares: Admixed American, 0.15%; 5 homozygotes.

Submissions (5):

Labcorp Genetics (formerly Invitae), Labcorp
Classification: Likely benign. Last evaluated: 2026-01-25. Review status: criteria provided, single submitter. Criteria: Invitae Variant Classification Sherloc (09022015). Collection method: clinical testing. Allele origin: germline.

Women's Health and Genetics/Laboratory Corporation of America, LabCorp
Classification: Uncertain significance. Last evaluated: 2025-04-30. Review status: criteria provided, single submitter. Criteria: LabCorp Variant Classification Summary - May 2015. Collection method: clinical testing. Allele origin: germline.
Comment: Variant summary: POU1F1 c.605-5T>G alters a non-conserved nucleotide located at a position not widely known to affect splicing. Several computational tools predict a significant impact on normal splicing: One predicts the variant has no significant impact on splicing. Two predict the variant weakens a 3' acceptor site. However, these predictions have yet to be confirmed by functional studies. The variant allele was found at a frequency of 0.00069 in 227740 control chromosomes, predominantly at a frequency of 0.0015 within the South Asian subpopulation in the gnomAD database. This frequency is not significantly higher than estimated for a pathogenic variant in POU1F1 causing Combined Pituitary Hormone Deficiency (0.00069 vs 0.0068), allowing no conclusion about variant significance. To our knowledge, no occurrence of c.605-5T>G in individuals affected with Combined Pituitary Hormone Deficiency and no experimental evidence demonstrating its impact on protein function have been reported. ClinVar contains an entry for this variant (Variation ID: 346840). Based on the evidence outlined above, the variant was classified as uncertain significance.

Blueprint Genetics
Classification: Likely benign. Last evaluated: 2024-07-12. Review status: criteria provided, single submitter. Criteria: ACMG Guidelines, 2015. Collection method: clinical testing. Allele origin: germline.

Eurofins Ntd Llc (ga)
Classification: Uncertain significance. Last evaluated: 2017-11-02. Review status: criteria provided, single submitter. Criteria: EGL Classification Definitions 2015. Collection method: clinical testing. Allele origin: germline. Observed: 1 variant allele, 1 heterozygote.

Dr. Peter K. Rogan Lab, Western University
No classification provided (evidence only). Condition: Cholangiocarcinoma. Review status: no classification provided. Collection method: in vitro. Allele origin: not applicable. Functional consequence: retained intron. Not counted in ClinVar's aggregate classification.